The following is an entry in ClinVar:

NM_006939.4(SOS2):c.2113G>T (p.Asp705Tyr)

Gene: SOS2 (SOS Ras/Rho guanine nucleotide exchange factor 2; minus strand). Cytogenetic location: 14q21.3.
Variant type: single nucleotide variant.
Coding change: c.2113G>T on transcript NM_006939.4 (MANE Select); coding-DNA position 2113, G replaced by T.
Protein change: p.Asp705Tyr; replaces aspartic acid 705 with tyrosine.
Molecular consequence: missense variant.
Genome position (GRCh38, 1-based): chr14:50,153,118, C>A on the plus strand (G>T on the coding strand, the complement: SOS2 is on the minus strand). VCF-style: chr14-50153118-C-A. GRCh37 (hg19) VCF-style: chr14-50619836-C-A.
Other names: short protein forms D705Y.
Identifiers: ClinVar variation 372928 (VCV000372928.5), dbSNP rs1057518079, ClinGen allele CA16042859.

ClinVar aggregate classification (germline): Uncertain significance. Review status: criteria provided, multiple submitters, no conflicts (2 of 4 stars). 3 submissions from 3 submitters: Uncertain significance (3). Last evaluated 2026-02-02.

Conditions:
Cardiovascular phenotype. Identifiers: MedGen CN230736.
Noonan syndrome 9 (NS9). Identifiers: Orphanet 648, MedGen C4225282, MONDO:0014691, OMIM 616559.

Allele frequency attached by ClinVar (database versions not stated): gnomAD exomes below 0.00001.
gnomAD v4.1: 6 of 1,606,732 alleles (0.00037%); highest among the groups gnomAD compares: Non-Finnish European, 0.00051%; no homozygotes.

Submissions (3):

Labcorp Genetics (formerly Invitae), Labcorp
Classification: Uncertain significance for Noonan syndrome 9. Last evaluated: 2026-02-02. Review status: criteria provided, single submitter. Criteria: Invitae Variant Classification Sherloc (09022015). Collection method: clinical testing. Allele origin: germline.
Comment: This sequence change replaces aspartic acid, which is acidic and polar, with tyrosine, which is neutral and polar, at codon 705 of the SOS2 protein (p.Asp705Tyr). This variant is present in population databases (no rsID available, gnomAD 0.0009%). This variant has not been reported in the literature in individuals affected with SOS2-related conditions. ClinVar contains an entry for this variant (Variation ID: 372928). Invitae Evidence Modeling of protein sequence and biophysical properties (such as structural, functional, and spatial information, amino acid conservation, physicochemical variation, residue mobility, and thermodynamic stability) has been performed for this missense variant. However, the output from this modeling did not meet the statistical confidence thresholds required to predict the impact of this variant on SOS2 protein function. In summary, the available evidence is currently insufficient to determine the role of this variant in disease. Therefore, it has been classified as a Variant of Uncertain Significance.

Ambry Genetics
Classification: Uncertain significance for Cardiovascular phenotype. Last evaluated: 2025-05-03. Review status: criteria provided, single submitter. Criteria: Ambry Variant Classification Scheme 2023. Collection method: clinical testing. Allele origin: germline.
Comment: The p.D705Y variant (also known as c.2113G>T), located in coding exon 13 of the SOS2 gene, results from a G to T substitution at nucleotide position 2113. The aspartic acid at codon 705 is replaced by tyrosine, an amino acid with highly dissimilar properties. This amino acid position is conserved. In addition, this alteration is predicted to be deleterious by in silico analysis. Based on the available evidence, the clinical significance of this variant remains unclear.

GeneDx
Classification: Uncertain significance. Last evaluated: 2016-03-03. Review status: criteria provided, single submitter. Criteria: GeneDx Variant Classification (06012015). Collection method: clinical testing. Allele origin: germline. Affected: yes.
Comment: The D705Y variant in the SOS1 gene has not been reported previously as a pathogenic variant, nor as a benign variant, to our knowledge. The D705Y variant was not observed in approximately 6500 individuals of European and African American ancestry in the NHLBI Exome Sequencing Project, indicating it is not a common benign variant in these populations.The D705Y variant is a non-conservative amino acid substitution, which is likely to impact secondary protein structure as these residues differ in polarity, charge, size and/or other properties. This substitution occurs at a position that is conserved across species. In silico analysis predicts this variant is probably damaging to the protein structure/function. We interpret D705Y as a variant of uncertain significance